The following is an entry in ClinVar:

ClinVar aggregate classification (germline): Uncertain significance (1 of 4 stars; one submission).

gnomAD v4.1: 1 of 1,612,544 alleles (0.000062%); highest among the groups gnomAD compares: Non-Finnish European, 0.000085%; no homozygotes.

Submission:

GeneDx
Classification: Uncertain significance. Last evaluated: 2023-06-30. Review status: criteria provided, single submitter. Criteria: GeneDx Variant Classification Process June 2021. Collection method: clinical testing. Allele origin: germline.
Comment: Not observed at significant frequency in large population cohorts (gnomAD); In silico analysis supports that this missense variant does not alter protein structure/function; In silico analysis suggests this variant may impact gene splicing. In the absence of RNA/functional studies, the actual effect of this sequence change is unknown.; Has not been previously published as pathogenic or benign to our knowledge; Variants in candidate genes are classified as variants of uncertain significance in accordance with ACMG guidelines (Richards et al., 2015)

NM_001103146.3(GIGYF2):c.2216A>G (p.Gln739Arg)

Gene: GIGYF2 (GRB10 interacting GYF protein 2; plus strand). Cytogenetic location: 2q37.1.
Variant type: single nucleotide variant.
Coding change: c.2216A>G on transcript NM_001103146.3 (MANE Select); coding-DNA position 2216, A replaced by G.
Protein change: p.Gln739Arg; replaces glutamine 739 with arginine.
Molecular consequence: missense variant. On other transcripts: non-coding transcript variant (1).
Genome position (GRCh38, 1-based): chr2:232,816,878, A>G. VCF-style: chr2-232816878-A-G. GRCh37 (hg19) VCF-style: chr2-233681588-A-G.
Other names: c.2279A>G, p.Gln760Arg (NM_001103147.2); c.2198A>G, p.Gln733Arg (NM_001103148.2); c.2216A>G, p.Gln739Arg (NM_015575.4); short protein forms Q733R, Q739R, Q760R.
Identifiers: ClinVar variation 4888144 (VCV004888144.1).
Genomic context (GRCh38, chr2:232,816,878, plus strand): 5'-AGTGTTCCTGTGCTTGGTTTCAAGTTTCTAAGAGTACTCTTGTGTAATCACAGCTAGAGC[A>G]AGAGAGAAGAGAGGCAGAAATGAGGGCAAAACGGGAAGAGGAAGAGCGAAAGAGGCAGGA-3'
Protein context (NP_001096616.1, residues 729-749): LEKAKAAKLE[Gln739Arg]ERREAEMRAK